The following is an entry in ClinVar:

ClinVar aggregate classification (germline): Uncertain significance (1 of 4 stars; one submission).

Conditions:
Gorlin syndrome. Also called: Basal cell nevus syndrome; Nevoid Basal Cell Carcinoma Syndrome. Identifiers: Orphanet 377, MedGen C0004779, MONDO:0007187.

Submission:

Labcorp Genetics (formerly Invitae), Labcorp
Classification: Uncertain significance for Gorlin syndrome. Last evaluated: 2019-01-25. Review status: criteria provided, single submitter. Criteria: Invitae Variant Classification Sherloc (09022015). Collection method: clinical testing. Allele origin: germline.
Comment: In summary, the available evidence is currently insufficient to determine the role of this variant in disease. Therefore, it has been classified as a Variant of Uncertain Significance. Algorithms developed to predict the effect of missense changes on protein structure and function (SIFT, PolyPhen-2, Align-GVGD) all suggest that this variant is likely to be tolerated, but these predictions have not been confirmed by published functional studies and their clinical significance is uncertain. This variant has not been reported in the literature in individuals with PTCH1-related conditions. This variant is not present in population databases (ExAC no frequency). This sequence change replaces glutamine with arginine at codon 409 of the PTCH1 protein (p.Gln409Arg). The glutamine residue is moderately conserved and there is a small physicochemical difference between glutamine and arginine.

NM_000264.5(PTCH1):c.1226A>G (p.Gln409Arg)

Gene: PTCH1 (patched 1; minus strand). Cytogenetic location: 9q22.32.
Variant type: single nucleotide variant.
Coding change: c.1226A>G on transcript NM_000264.5 (MANE Select); coding-DNA position 1226, A replaced by G.
Protein change: p.Gln409Arg; replaces glutamine 409 with arginine.
Molecular consequence: missense variant. On other transcripts: non-coding transcript variant (1).
Genome position (GRCh38, 1-based): chr9:95,478,176, T>C on the plus strand (A>G on the coding strand, the complement: PTCH1 is on the minus strand). VCF-style: chr9-95478176-T-C. GRCh37 (hg19) VCF-style: chr9-98240458-T-C.
Other names: c.1028A>G, p.Gln343Arg (NM_001083602.3); c.1223A>G, p.Gln408Arg (NM_001083603.3); c.773A>G, p.Gln258Arg (NM_001083604.3, NM_001083605.3, NM_001083606.3 and 1 more transcripts); c.1226A>G, p.Gln409Arg (NM_001354918.2); short protein forms Q258R, Q409R, Q343R, Q408R.
Identifiers: ClinVar variation 838081 (VCV000838081.10), dbSNP rs1841233191, ClinGen allele CA374118978.
Genomic context (GRCh38, chr9:95,478,176, plus strand): 5'-TCGTCCAGGGTCGTGGTGGTGAAGGAAAGCACCTTTTGAGTGGAGTTCTGTGCGACACTC[T>C]GATGAACCACCTGTGGTCACAACAGAATGCGAAATGCCCAAATGCAATGAACACTTCCAC-3'
Protein context (NP_000255.2, residues 399-419): WQRTYVEVVH[Gln409Arg]SVAQNSTQKV